The following is an entry in ClinVar:

NM_021098.3(CACNA1H):c.5945C>T (p.Pro1982Leu)

Gene: CACNA1H (calcium voltage-gated channel subunit alpha1 H; plus strand). Cytogenetic location: 16p13.3.
Variant type: single nucleotide variant.
Coding change: c.5945C>T on transcript NM_021098.3 (MANE Select); coding-DNA position 5945, C replaced by T.
Protein change: p.Pro1982Leu; replaces proline 1982 with leucine.
Molecular consequence: missense variant.
Genome position (GRCh38, 1-based): chr16:1,219,027, C>T. VCF-style: chr16-1219027-C-T. GRCh37 (hg19) VCF-style: chr16-1269027-C-T.
Other names: c.5927C>T, p.Pro1976Leu (NM_001005407.2); short protein forms P1982L, P1976L.
Identifiers: ClinVar variation 576020 (VCV000576020.10), dbSNP rs1483742539, ClinGen allele CA394148239.

ClinVar aggregate classification (germline): Uncertain significance. Review status: criteria provided, multiple submitters, no conflicts (2 of 4 stars). 3 submissions from 3 submitters: Uncertain significance (3). Last evaluated 2026-03-06.

Conditions:
Epilepsy, childhood absence, susceptibility to, 6. Identifiers: Orphanet 64280, MedGen C2749872, MONDO:0012763, OMIM 611942.
Hyperaldosteronism, familial, type IV (HALD4). Also called: FH IV; ALDOSTERONISM, PRIMARY, AND HYPERTENSION. Identifiers: Orphanet 642671, MedGen C4310756, MONDO:0014875, OMIM 617027.
Idiopathic generalized epilepsy. Also called: Generalised epilepsy; EIG. Identifiers: MedGen C0270850, MONDO:0005579, OMIM 600669.

Allele frequency attached by ClinVar (database versions not stated): TOPMed below 0.00001; gnomAD 0.00001.

Submissions (3):

GeneDx
Classification: Uncertain significance. Last evaluated: 2026-03-06. Review status: criteria provided, single submitter. Criteria: GeneDx Variant Classification Process June 2021. Collection method: clinical testing. Allele origin: germline.
Comment: Not observed at significant frequency in large population cohorts (gnomAD); In silico analysis supports that this missense variant has a deleterious effect on protein structure/function; Has not been previously published as pathogenic or benign to our knowledge

Fulgent Genetics
Classification: Uncertain significance for Epilepsy, childhood absence, susceptibility to, 6; Hyperaldosteronism, familial, type IV. Last evaluated: 2024-04-10. Review status: criteria provided, single submitter. Criteria: ACMG Guidelines, 2015. Collection method: clinical testing. Allele origin: germline.

Labcorp Genetics (formerly Invitae), Labcorp
Classification: Uncertain significance for Idiopathic generalized epilepsy; Hyperaldosteronism, familial, type IV. Last evaluated: 2023-12-14. Review status: criteria provided, single submitter. Criteria: Invitae Variant Classification Sherloc (09022015). Collection method: clinical testing. Allele origin: germline.
Comment: This sequence change replaces proline, which is neutral and non-polar, with leucine, which is neutral and non-polar, at codon 1982 of the CACNA1H protein (p.Pro1982Leu). This variant is not present in population databases (gnomAD no frequency). This variant has not been reported in the literature in individuals affected with CACNA1H-related conditions. ClinVar contains an entry for this variant (Variation ID: 576020). Algorithms developed to predict the effect of missense changes on protein structure and function output the following: SIFT: "Not Available"; PolyPhen-2: "Benign"; Align-GVGD: "Not Available". The leucine amino acid residue is found in multiple mammalian species, which suggests that this missense change does not adversely affect protein function. In summary, the available evidence is currently insufficient to determine the role of this variant in disease. Therefore, it has been classified as a Variant of Uncertain Significance.